The following is an entry in ClinVar:

NM_018557.3(LRP1B):c.4170-5_4170-3del

Gene: LRP1B (LDL receptor related protein 1B; minus strand). Cytogenetic location: 2q22.1.
Variant type: Deletion.
Coding change: c.4170-5_4170-3del on transcript NM_018557.3 (MANE Select); 5 bases into the intron before coding-DNA position 4170 through 3 bases into the intron before coding-DNA position 4170, 3 bases deleted (TTT; older notation c.4170-5_4170-3delTTT).
Molecular consequence: intron variant.
Genome position (GRCh38, 1-based): chr2:140,868,266-140,868,268, AAA deleted on the plus strand (TTT on the coding strand, the reverse complement: LRP1B is on the minus strand); deleting any 3 consecutive bases within chr2:140,868,266-140,868,284 gives the same sequence; the c. name uses the placement nearest the transcript's 3' end. VCF-style (leftmost placement, unchanged base first): chr2-140868265-TAAA-T. GRCh37 (hg19) VCF-style: chr2-141625834-TAAA-T.
Identifiers: ClinVar variation 3038715 (VCV003038715.2), dbSNP rs34488899, ClinGen allele CA1895251.

ClinVar aggregate classification (germline): Benign (0 of 4 stars; one submission).

Conditions:
LRP1B-related disorder. Also called: LRP1B-related condition.

Submission:

PreventionGenetics, part of Exact Sciences
Classification: Benign for LRP1B-related condition. Last evaluated: 2020-02-26. Review status: no assertion criteria provided. Collection method: clinical testing. Allele origin: germline.
Comment: This variant is classified as benign based on ACMG/AMP sequence variant interpretation guidelines (Richards et al. 2015 PMID: 25741868, with internal and published modifications).